The following is an entry in ClinVar:

NM_001134363.3(RBM20):c.2591A>G (p.Gln864Arg)

Gene: RBM20 (RNA binding motif protein 20; plus strand). Cytogenetic location: 10q25.2.
Variant type: single nucleotide variant.
Coding change: c.2591A>G on transcript NM_001134363.3 (MANE Select); coding-DNA position 2591, A replaced by G.
Protein change: p.Gln864Arg; replaces glutamine 864 with arginine.
Molecular consequence: missense variant.
Genome position (GRCh38, 1-based): chr10:110,820,112, A>G. VCF-style: chr10-110820112-A-G. GRCh37 (hg19) VCF-style: chr10-112579870-A-G.
Other names: short protein forms Q864R.
Identifiers: ClinVar variation 1916042 (VCV001916042.6), dbSNP rs1564663863, ClinGen allele CA378376802.

ClinVar aggregate classification (germline): Uncertain significance. Review status: criteria provided, multiple submitters, no conflicts (2 of 4 stars). 2 submissions from 2 submitters: Uncertain significance (2). Last evaluated 2025-08-28.

Conditions:
Cardiovascular phenotype. Identifiers: MedGen CN230736.
Dilated cardiomyopathy 1DD (CMD1DD). Identifiers: Orphanet 154, MedGen C2750995, MONDO:0013168, OMIM 613172.

gnomAD v4.1: 4 of 1,551,446 alleles (0.00026%); highest among the groups gnomAD compares: Non-Finnish European, 0.00035%; no homozygotes.

Submissions (2):

Ambry Genetics
Classification: Uncertain significance for Cardiovascular phenotype. Last evaluated: 2025-08-28. Review status: criteria provided, single submitter. Criteria: Ambry Variant Classification Scheme 2023. Collection method: clinical testing. Allele origin: germline.
Comment: The p.Q864R variant (also known as c.2591A>G), located in coding exon 10 of the RBM20 gene, results from an A to G substitution at nucleotide position 2591. The glutamine at codon 864 is replaced by arginine, an amino acid with highly similar properties. This amino acid position is conserved. In addition, this alteration is predicted to be tolerated by in silico analysis. Based on the available evidence, the clinical significance of this variant remains unclear.

Labcorp Genetics (formerly Invitae), Labcorp
Classification: Uncertain significance for Dilated cardiomyopathy 1DD. Last evaluated: 2022-02-27. Review status: criteria provided, single submitter. Criteria: Invitae Variant Classification Sherloc (09022015). Collection method: clinical testing. Allele origin: germline.
Comment: This variant has not been reported in the literature in individuals affected with RBM20-related conditions. In summary, the available evidence is currently insufficient to determine the role of this variant in disease. Therefore, it has been classified as a Variant of Uncertain Significance. Advanced modeling of protein sequence and biophysical properties (such as structural, functional, and spatial information, amino acid conservation, physicochemical variation, residue mobility, and thermodynamic stability) performed at Invitae indicates that this missense variant is not expected to disrupt RBM20 protein function. This variant is not present in population databases (gnomAD no frequency). This sequence change replaces glutamine, which is neutral and polar, with arginine, which is basic and polar, at codon 864 of the RBM20 protein (p.Gln864Arg).